The following is an entry in ClinVar:

NM_138694.4(PKHD1):c.5695C>T (p.Gln1899Ter)

Gene: PKHD1 (PKHD1 ciliary IPT domain containing fibrocystin/polyductin; minus strand). Cytogenetic location: 6p12.2.
Variant type: single nucleotide variant.
Coding change: c.5695C>T on transcript NM_138694.4 (MANE Select); coding-DNA position 5695, C replaced by T.
Protein change: p.Gln1899Ter; replaces glutamine 1899 with a stop codon.
Molecular consequence: nonsense.
Genome position (GRCh38, 1-based): chr6:52,010,365, G>A on the plus strand (C>T on the coding strand, the complement: PKHD1 is on the minus strand). VCF-style: chr6-52010365-G-A. GRCh37 (hg19) VCF-style: chr6-51875163-G-A.
Other names: c.5695C>T (NM_138694.3); c.5695C>T, p.Gln1899Ter (NM_170724.3); short protein forms Q1899*.
Identifiers: ClinVar variation 1071002 (VCV001071002.9), dbSNP rs2128117147, ClinGen allele CA364422762.

ClinVar aggregate classification (germline): Pathogenic/Likely pathogenic. Review status: criteria provided, multiple submitters, no conflicts (2 of 4 stars). 2 submissions from 2 submitters: Pathogenic (1); Likely pathogenic (1). Last evaluated 2025-03-12.

Conditions:
Autosomal recessive polycystic kidney disease (ARPKD). Also called: AR polycystic kidney disease. Identifiers: Orphanet 731, Orphanet 8378, MedGen C0085548, MeSH D017044, MONDO:0009889.

Submissions (2):

Natera, Inc.
Classification: Likely pathogenic for Autosomal recessive polycystic kidney disease. Last evaluated: 2025-03-12. Review status: criteria provided, single submitter. Criteria: Natera Variant Classification Schema (03/2026). Collection method: clinical testing. Allele origin: germline.
Comment: The c.5695C>T variant in PKHD1 is a nonsense variant predicted to introduce a stop codon at amino acid 1899. This variant is expected to result in nonsense mediated decay, truncation, or a dysfunctional protein product. This variant is rare in the general population with a frequency below the threshold expected for the associated phenotype(s). Given the available evidence, this variant is classified as Likely Pathogenic.

Labcorp Genetics (formerly Invitae), Labcorp
Classification: Pathogenic for Autosomal recessive polycystic kidney disease. Last evaluated: 2020-10-29. Review status: criteria provided, single submitter. Criteria: Invitae Variant Classification Sherloc (09022015). Collection method: clinical testing. Allele origin: germline.
Comment: For these reasons, this variant has been classified as Pathogenic. This variant has not been reported in the literature in individuals with PKHD1-related conditions. This variant is not present in population databases (ExAC no frequency). This sequence change creates a premature translational stop signal (p.Gln1899*) in the PKHD1 gene. It is expected to result in an absent or disrupted protein product. Loss-of-function variants in PKHD1 are known to be pathogenic (PMID: 19940839).

Literature cited by the submitters: PubMed 19940839 (cited by Labcorp Genetics (formerly Invitae), Labcorp).